The following is an entry in ClinVar:

NM_001110556.2(FLNA):c.145_146del (p.Phe49fs)

Gene: FLNA (filamin A; minus strand). Cytogenetic location: Xq28.
Variant type: Deletion.
Coding change: c.145_146del on transcript NM_001110556.2 (MANE Select); coding-DNA positions 145 to 146, 2 bases deleted (TT; older notation c.145_146delTT).
Protein change: p.Phe49fs; shifts the reading frame from phenylalanine 49.
Molecular consequence: frameshift variant.
Genome position (GRCh38, 1-based): chrX:154,371,100-154,371,101, AA deleted on the plus strand (TT on the coding strand, the reverse complement: FLNA is on the minus strand); deleting any 2 consecutive bases within chrX:154,371,100-154,371,102 gives the same sequence; the c. name uses the placement nearest the transcript's 3' end. VCF-style (leftmost placement, unchanged base first): chrX-154371099-GAA-G. GRCh37 (hg19) VCF-style: chrX-153599467-GAA-G.
Other names: c.145_146del, p.Phe49fs (NM_001456.4); short protein forms F49fs.
Identifiers: ClinVar variation 2947629 (VCV002947629.3), dbSNP rs2522771731, ClinGen allele CA2740090211.

ClinVar aggregate classification (germline): Pathogenic (1 of 4 stars; one submission).

Conditions:
Oto-palato-digital syndrome, type II (OPD2). Also called: FACIOPALATOOSSEOUS SYNDROME; OPD II SYNDROME; Otopalatodigital Syndrome, Type II; Otopalatodigital Syndrome Type 2 (FLNA-OPD2). Identifiers: Orphanet 669, Orphanet 90652, MedGen C1844696, MONDO:0010571, OMIM 304120.
Heterotopia, periventricular, X-linked dominant (PVNH1). Also called: PERIVENTRICULAR NODULAR HETEROTOPIA 1; X-linked periventricular heterotopia; PERIVENTRICULAR NODULAR HETEROTOPIA 4; HETEROTOPIA, PERIVENTRICULAR, 1. Identifiers: Orphanet 2149, Orphanet 82004, MedGen C1848213, MONDO:0010233, OMIM 300049.
Frontometaphyseal dysplasia (FMD1). Identifiers: Orphanet 1826, MedGen C0265293, MONDO:0015942.
Melnick-Needles syndrome (MNS). Also called: MELNICK-NEEDLES OSTEODYSPLASTY; OSTEODYSPLASTY OF MELNICK AND NEEDLES; Melnick-Needles Syndrome (FLNA-MNS). Identifiers: Orphanet 2484, MedGen C0025237, MONDO:0010650, OMIM 309350.

Submission:

Labcorp Genetics (formerly Invitae), Labcorp
Classification: Pathogenic for Oto-palato-digital syndrome, type II; Heterotopia, periventricular, X-linked dominant; Frontometaphyseal dysplasia; Melnick-Needles syndrome. Last evaluated: 2023-05-10. Review status: criteria provided, single submitter. Criteria: Invitae Variant Classification Sherloc (09022015). Collection method: clinical testing. Allele origin: germline.
Comment: This sequence change creates a premature translational stop signal (p.Phe49Hisfs*56) in the FLNA gene. It is expected to result in an absent or disrupted protein product. Loss-of-function variants in FLNA are known to be pathogenic (PMID: 16684786, 20730588, 26471271). This variant is not present in population databases (gnomAD no frequency). This variant has not been reported in the literature in individuals affected with FLNA-related conditions. For these reasons, this variant has been classified as Pathogenic.

Literature cited by the submitters: PubMed 16684786; PubMed 20730588; PubMed 26471271.